The following is an entry in ClinVar:

NM_018136.5(ASPM):c.2349A>C (p.Lys783Asn)

Gene: ASPM (assembly factor for spindle microtubules; minus strand). Cytogenetic location: 1q31.3.
Variant type: single nucleotide variant.
Coding change: c.2349A>C on transcript NM_018136.5 (MANE Select); coding-DNA position 2349, A replaced by C.
Protein change: p.Lys783Asn; replaces lysine 783 with asparagine.
Molecular consequence: missense variant.
Genome position (GRCh38, 1-based): chr1:197,133,420, T>G on the plus strand (A>C on the coding strand, the complement: ASPM is on the minus strand). VCF-style: chr1-197133420-T-G. GRCh37 (hg19) VCF-style: chr1-197102550-T-G.
Other names: c.2349A>C, p.Lys783Asn (NM_001206846.2); short protein forms K783N.
Identifiers: ClinVar variation 2789660 (VCV002789660.3), dbSNP rs1210516223, ClinGen allele CA344009902.

ClinVar aggregate classification (germline): Uncertain significance (1 of 4 stars; one submission).

Allele frequency attached by ClinVar (database versions not stated): gnomAD exomes below 0.00001.
gnomAD v4.1: 2 of 1,614,096 alleles (0.00012%); highest among the groups gnomAD compares: East Asian, 0.0045%; no homozygotes.

Submission:

Labcorp Genetics (formerly Invitae), Labcorp
Classification: Uncertain significance. Last evaluated: 2023-11-24. Review status: criteria provided, single submitter. Criteria: Invitae Variant Classification Sherloc (09022015). Collection method: clinical testing. Allele origin: germline.
Comment: This sequence change replaces lysine, which is basic and polar, with asparagine, which is neutral and polar, at codon 783 of the ASPM protein (p.Lys783Asn). This variant is present in population databases (no rsID available, gnomAD 0.02%). This variant has not been reported in the literature in individuals affected with ASPM-related conditions. Advanced modeling of protein sequence and biophysical properties (such as structural, functional, and spatial information, amino acid conservation, physicochemical variation, residue mobility, and thermodynamic stability) has been performed at Invitae for this missense variant, however the output from this modeling did not meet the statistical confidence thresholds required to predict the impact of this variant on ASPM protein function. In summary, the available evidence is currently insufficient to determine the role of this variant in disease. Therefore, it has been classified as a Variant of Uncertain Significance.